The following is an entry in ClinVar:

ClinVar aggregate classification (germline): Pathogenic (1 of 4 stars; one submission).

Conditions:
Duchenne muscular dystrophy (DMD). Also called: MUSCULAR DYSTROPHY, PSEUDOHYPERTROPHIC PROGRESSIVE, DUCHENNE TYPE; Duchenne Muscular Dystrophy (DMD). Identifiers: Orphanet 98896, MedGen C0013264, MONDO:0010679, OMIM 310200.

Submission:

Labcorp Genetics (formerly Invitae), Labcorp
Classification: Pathogenic for Duchenne muscular dystrophy. Last evaluated: 2021-08-12. Review status: criteria provided, single submitter. Criteria: Invitae Variant Classification Sherloc (09022015). Collection method: clinical testing. Allele origin: germline.
Comment: This variant is a gross deletion of the genomic region encompassing exon(s) 30-34 of the DMD gene. This variant would be expected to be in-frame, preserving the integrity of the reading frame. This variant has not been reported in the literature in individuals affected with DMD-related conditions. This variant disrupts a region of the DMD protein in which other variant(s) (Deletion (Exon 30)) have been determined to be pathogenic (PMID: 17259292, 19084397). This suggests that this is a clinically significant region of the protein, and that variants that disrupt it are likely to be disease-causing. For these reasons, this variant has been classified as Pathogenic.

Literature cited by the submitters: PubMed 17259292; PubMed 19084397.

NC_000023.10:g.(?_32398617)_(32430336_?)del

Gene: DMD (dystrophin; minus strand). Cytogenetic location: Xp21.1.
Variant type: Deletion.
Identifiers: ClinVar variation 1071866 (VCV001071866.7).